The following is an entry in ClinVar:

NM_015272.5(RPGRIP1L):c.1326_1329del (p.Lys442fs)

Gene: RPGRIP1L (RPGRIP1 like; minus strand). Cytogenetic location: 16q12.2.
Variant type: Deletion.
Coding change: c.1326_1329del on transcript NM_015272.5 (MANE Select); coding-DNA positions 1326 to 1329, 4 bases deleted (AAAA; older notation c.1326_1329delAAAA).
Protein change: p.Lys442fs; shifts the reading frame from lysine 442.
Molecular consequence: frameshift variant.
Genome position (GRCh38, 1-based): chr16:53,658,793-53,658,796, TTTT deleted on the plus strand (AAAA on the coding strand, the reverse complement: RPGRIP1L is on the minus strand); deleting any 4 consecutive bases within chr16:53,658,793-53,658,798 gives the same sequence; the c. name uses the placement nearest the transcript's 3' end. VCF-style (leftmost placement, unchanged base first): chr16-53658792-GTTTT-G. GRCh37 (hg19) VCF-style: chr16-53692704-GTTTT-G.
Other names: c.1326_1329del, p.Lys442fs (NM_001127897.4, NM_001308334.3, NM_001330538.2); c.1326_1329delAAAA (NM_015272.4); short protein forms K442fs.
Identifiers: ClinVar variation 851426 (VCV000851426.12), dbSNP rs749987648, ClinGen allele CA8057848.
Genomic context (GRCh38, chr16:53,658,792, plus strand): 5'-AAATTCTGAGTTTTATTTCTTAAATAAGGAAATAATTCACCTGGTTGTACAATTTTATGC[GTTTT>G]TTAAGTTCATCAAGTTGTTGCTTTTGTTCCAGATACTGTAACTGTAGTTCTCTATTCTCT-3'

ClinVar aggregate classification (germline): Pathogenic/Likely pathogenic. Review status: criteria provided, multiple submitters, no conflicts (2 of 4 stars). 5 submissions from 5 submitters: Pathogenic (1); Likely pathogenic (4). Last evaluated 2025-05-20.

Conditions:
Meckel-Gruber syndrome. Also called: GRUBER SYNDROME; DYSENCEPHALIA SPLANCHNOCYSTICA; Dysencephalia splachnocystica. Identifiers: Orphanet 564, MedGen C0265215, MONDO:0018921.
Joubert syndrome. Also called: Familial aplasia of the vermis; JOUBERT-BOLTSHAUSER SYNDROME. Identifiers: Orphanet 475, MedGen C5979921, MONDO:0018772.
Meckel syndrome, type 5 (MKS5). Identifiers: Orphanet 564, MedGen C1969052, MONDO:0012695, OMIM 611561.
COACH syndrome 3. Identifiers: MedGen C5436841, MONDO:0030862, OMIM 619113.
Joubert syndrome 7 (JBTS7). Identifiers: Orphanet 220497, MedGen C1969053, MONDO:0012694, OMIM 611560.
RPGRIP1L-related disorder. Also called: RPGRIP1L-related disorders; RPGRIP1L-related condition. Identifiers: MedGen CN239416.

Submissions (5):

Natera, Inc.
Classification: Likely pathogenic for Joubert syndrome. Last evaluated: 2025-05-20. Review status: criteria provided, single submitter. Criteria: Natera Variant Classification Schema (03/2026). Collection method: clinical testing. Allele origin: germline.
Comment: The c.1326_1329delAAAA variant in RPGRIP1L is a frameshift variant predicted to shift the reading frame beginning at codon 442 and leads to a stop codon 3 codons downstream. This variant is expected to result in nonsense mediated decay, truncation, or a dysfunctional protein product. This variant is rare in the general population with a frequency below the threshold expected for the associated phenotype(s). Given the available evidence, this variant is classified as Likely Pathogenic.

Labcorp Genetics (formerly Invitae), Labcorp
Classification: Pathogenic for Joubert syndrome; Meckel-Gruber syndrome. Last evaluated: 2025-03-31. Review status: criteria provided, single submitter. Criteria: Invitae Variant Classification Sherloc (09022015). Collection method: clinical testing. Allele origin: germline.
Comment: This sequence change creates a premature translational stop signal (p.Lys442Asnfs*3) in the RPGRIP1L gene. It is expected to result in an absent or disrupted protein product. Loss-of-function variants in RPGRIP1L are known to be pathogenic (PMID: 17558409). This variant is present in population databases (rs764836087, gnomAD 0.02%). This variant has not been reported in the literature in individuals affected with RPGRIP1L-related conditions. ClinVar contains an entry for this variant (Variation ID: 851426). For these reasons, this variant has been classified as Pathogenic.

PreventionGenetics, part of Exact Sciences
Classification: Likely pathogenic for RPGRIP1L-related condition. Last evaluated: 2025-03-25. Review status: criteria provided, single submitter. Criteria: ACMG Guidelines, 2015. Collection method: clinical testing. Allele origin: germline.
Comment: The RPGRIP1L c.1326_1329delAAAA variant is predicted to result in a frameshift and premature protein termination (p.Lys442Asnfs*3). To our knowledge, this variant has not been reported in the literature. This variant is reported in 0.018% of alleles in individuals of Latino descent in gnomAD. Frameshift variants in RPGRI1L are expected to be pathogenic. This variant is interpreted as likely pathogenic.

Blueprint Genetics
Classification: Likely pathogenic for RPGRIP1L-related disorders. Last evaluated: 2022-06-17. Review status: criteria provided, single submitter. Criteria: ACMG Guidelines, 2015. Collection method: clinical testing. Allele origin: germline. Affected: yes. Observed: 3 variant alleles.

Fulgent Genetics
Classification: Likely pathogenic for Joubert syndrome 7; Meckel syndrome, type 5; COACH syndrome 3. Last evaluated: 2021-12-07. Review status: criteria provided, single submitter. Criteria: ACMG Guidelines, 2015. Collection method: clinical testing. Allele origin: unknown.

Literature cited by the submitters: PubMed 17558409 (cited by Labcorp Genetics (formerly Invitae), Labcorp).